The following is an entry in ClinVar:

ClinVar aggregate classification (germline): Uncertain significance (1 of 4 stars; one submission).

Conditions:
Hypertrophic cardiomyopathy. Also called: HYPERTROPHIC MYOCARDIOPATHY. Identifiers: Orphanet 217569, MedGen C0007194, MeSH D002312, MONDO:0005045, HP:0001639.

Submission:

Labcorp Genetics (formerly Invitae), Labcorp
Classification: Uncertain significance for Hypertrophic cardiomyopathy. Last evaluated: 2019-11-21. Review status: criteria provided, single submitter. Criteria: Invitae Variant Classification Sherloc (09022015). Collection method: clinical testing. Allele origin: germline.
Comment: This variant results in a copy number gain of the genomic region encompassing exons 27-40 of the MYH7 gene. The 5' boundary is likely confined to intron 26. The 3' end of this event is unknown as it extends beyond the assayed region for this gene and therefore may encompass additional genes. As the precise location of this event is unknown, it may be in tandem or it may be located elsewhere in the genome. This variant has not been reported in the literature in individuals with MYH7-related conditions. Experimental studies and prediction algorithms are not available for this variant, and the functional significance of the affected amino acid(s) is currently unknown. In summary, the available evidence is currently insufficient to determine the role of this variant in disease. Therefore, it has been classified as a Variant of Uncertain Significance.

NC_000014.9:g.(?_23392552)_(23419619_?)dup

Genes: MIR208B (microRNA 208b; minus strand), MYH6 (myosin heavy chain 6; minus strand), MYH7 (myosin heavy chain 7; minus strand). Cytogenetic location: 14q11.2.
Variant type: Duplication.
Identifiers: ClinVar variation 1019946 (VCV001019946.4).